The following is an entry in ClinVar:

ClinVar aggregate classification (germline): Benign (1 of 4 stars; one submission).

Conditions:
Junctional epidermolysis bullosa. Identifiers: Orphanet 305, MedGen C0079301, MONDO:0017612.

Allele frequency attached by ClinVar (database versions not stated): gnomAD exomes 0.00078; 1000 Genomes Project 0.01398; gnomAD 0.01440 and 0.01559; 1000 Genomes Project 30x 0.01530; TOPMed 0.01629.
gnomAD v4.1: 2,178 of 157,668 alleles (1.4%); highest among the groups gnomAD compares: African/African-American, 4.9%; 58 homozygotes.

Submission:

Illumina Laboratory Services, Illumina
Classification: Benign for Junctional epidermolysis bullosa. Last evaluated: 2018-01-12. Review status: criteria provided, single submitter. Criteria: ICSL Variant Classification Criteria 13 December 2019. Collection method: clinical testing. Allele origin: germline.
Comment: This variant was observed in the ICSL laboratory as part of a predisposition screen in an ostensibly healthy population. It had not been previously curated by ICSL or reported in the Human Gene Mutation Database (HGMD: prior to June 1st, 2018), and was therefore a candidate for classification through an automated scoring system. Utilizing variant allele frequency, disease prevalence and penetrance estimates, and inheritance mode, an automated score was calculated to assess if this variant is too frequent to cause the disease. Based on the score and internal cut-off values, a variant classified as benign is not then subjected to further curation. The score for this variant resulted in a classification of benign for this disease.

NM_005562.3(LAMC2):c.*600A>G

Gene: LAMC2 (laminin subunit gamma 2; plus strand). Cytogenetic location: 1q25.3.
Variant type: single nucleotide variant.
Coding change: c.*600A>G on transcript NM_005562.3 (MANE Select); 600 bases downstream of the stop codon, A replaced by G.
Molecular consequence: 3 prime UTR variant.
Genome position (GRCh38, 1-based): chr1:183,244,000, A>G. VCF-style: chr1-183244000-A-G. GRCh37 (hg19) VCF-style: chr1-183213135-A-G.
Identifiers: ClinVar variation 874317 (VCV000874317.4), dbSNP rs77018464, ClinGen allele CA33949408.
Genomic context (GRCh38, chr1:183,244,000, plus strand): 5'-TGAACATGTTCTCCATTTTCAAGCTGGAAGAAGTGAGCAGTGTTGGAGTGAGGACCTGTA[A>G]GGCAGGCCCATTCAGAGCTATGGTGCTTGCTGGTGCCTGCCACCTTCAAGTTCTGGACCT-3'